The following is an entry in ClinVar:

ClinVar aggregate classification (germline): Uncertain significance (1 of 4 stars; one submission).

gnomAD v4.1: 2 of 1,597,636 alleles (0.00013%); highest among the groups gnomAD compares: Admixed American, 0.0018%; no homozygotes.

Submission:

Ambry Genetics
Classification: Uncertain significance. Last evaluated: 2021-08-29. Review status: criteria provided, single submitter. Criteria: Ambry Variant Classification Scheme 2023. Collection method: clinical testing. Allele origin: germline.
Comment: The p.S180L variant (also known as c.539C>T), located in coding exon 3 of the MNDA gene, results from a C to T substitution at nucleotide position 539. The serine at codon 180 is replaced by leucine, an amino acid with dissimilar properties. This amino acid position is conserved. In addition, this alteration is predicted to be tolerated by in silico analysis. Since supporting evidence is limited at this time, the clinical significance of this alteration remains unclear.

NM_002432.3(MNDA):c.539C>T (p.Ser180Leu)

Gene: MNDA (myeloid cell nuclear differentiation antigen; plus strand). Cytogenetic location: 1q23.1.
Variant type: single nucleotide variant.
Coding change: c.539C>T on transcript NM_002432.3 (MANE Select); coding-DNA position 539, C replaced by T.
Protein change: p.Ser180Leu; replaces serine 180 with leucine.
Molecular consequence: missense variant.
Genome position (GRCh38, 1-based): chr1:158,844,091, C>T. VCF-style: chr1-158844091-C-T. GRCh37 (hg19) VCF-style: chr1-158813881-C-T.
Other names: short protein forms S180L.
Identifiers: ClinVar variation 1747271 (VCV001747271.2), dbSNP rs1055021354, ClinGen allele CA31304411.